The following is an entry in ClinVar:

ClinVar aggregate classification (germline): Uncertain significance (1 of 4 stars; one submission).

Conditions:
Hereditary cancer-predisposing syndrome. Also called: Neoplastic Syndromes, Hereditary; Tumor predisposition; Hereditary Cancer Syndrome; Hereditary neoplastic syndrome. Identifiers: Orphanet 140162, MedGen C0027672, MeSH D009386, MONDO:0015356.

Submission:

Ambry Genetics
Classification: Uncertain significance for Hereditary cancer-predisposing syndrome. Last evaluated: 2022-10-12. Review status: criteria provided, single submitter. Criteria: Ambry Variant Classification Scheme 2023. Collection method: clinical testing. Allele origin: germline.
Comment: The p.H1137Q variant (also known as c.3411T>G), located in coding exon 24 of the MSH3 gene, results from a T to G substitution at nucleotide position 3411. The histidine at codon 1137 is replaced by glutamine, an amino acid with highly similar properties. This amino acid position is not well conserved in available vertebrate species. In addition, this alteration is predicted to be tolerated by in silico analysis. Since supporting evidence is limited at this time, the clinical significance of this alteration remains unclear.

NM_002439.5(MSH3):c.3411T>G (p.His1137Gln)

Gene: MSH3 (mutS homolog 3; plus strand). Cytogenetic location: 5q14.1.
Variant type: single nucleotide variant.
Coding change: c.3411T>G on transcript NM_002439.5 (MANE Select); coding-DNA position 3411, T replaced by G.
Protein change: p.His1137Gln; replaces histidine 1137 with glutamine.
Molecular consequence: missense variant.
Genome position (GRCh38, 1-based): chr5:80,875,859, T>G. VCF-style: chr5-80875859-T-G. GRCh37 (hg19) VCF-style: chr5-80171678-T-G.
Other names: short protein forms H1137Q.
Identifiers: ClinVar variation 1731179 (VCV001731179.2), dbSNP rs2112131989, ClinGen allele CA360347509.